The following is an entry in ClinVar:

ClinVar aggregate classification (germline): Conflicting classifications of pathogenicity. Review status: criteria provided, conflicting classifications (1 of 4 stars). 7 submissions from 7 submitters: Uncertain significance (3); Likely benign (4). Last evaluated 2026-04-01.

Conditions:
TAF2-related disorder. Also called: TAF2-related condition.
Microcephaly-thin corpus callosum-intellectual disability syndrome (NEDFCF). Also called: NEURODEVELOPMENTAL DISORDER WITH FEEDING DIFFICULTIES, THIN CORPUS CALLOSUM, AND FOOT DEFORMITY; Intellectual developmental disorder, autosomal recessive 40. Identifiers: Orphanet 397951, MedGen C3810080, MONDO:0014273, OMIM 615599.

Allele frequency attached by ClinVar (database versions not stated): 1000 Genomes Project 0.00020; 1000 Genomes Project 30x 0.00047; ExAC 0.00094; gnomAD exomes 0.00101 and 0.00153; TOPMed 0.00114; gnomAD 0.00117 and 0.00118; ESP Exome Variant Server 0.00123.
gnomAD v4.1: 2,464 of 1,607,978 alleles (0.15%); highest among the groups gnomAD compares: Non-Finnish European, 0.18%; 4 homozygotes.

Submissions (7):

CeGaT Center for Human Genetics Tuebingen
Classification: Likely benign. Last evaluated: 2026-04-01. Review status: criteria provided, single submitter. Criteria: CeGaT Center For Human Genetics Tuebingen Variant Classification Criteria Version 2. Collection method: clinical testing. Allele origin: germline. Affected: yes. Observed: 9 variant alleles.
Comment: TAF2: BP4, BS2

Labcorp Genetics (formerly Invitae), Labcorp
Classification: Likely benign. Last evaluated: 2025-12-16. Review status: criteria provided, single submitter. Criteria: Invitae Variant Classification Sherloc (09022015). Collection method: clinical testing. Allele origin: germline.

Women's Health and Genetics/Laboratory Corporation of America, LabCorp
Classification: Likely benign. Last evaluated: 2025-12-15. Review status: criteria provided, single submitter. Criteria: LabCorp Variant Classification Summary - May 2015. Collection method: clinical testing. Allele origin: germline.
Comment: Variant summary: TAF2 c.157A>G (p.Ile53Val) results in a conservative amino acid change in the encoded protein sequence. Algorithms developed to predict the effect of missense changes on protein structure and function are either unavailable or do not agree on the potential impact of this missense change. The variant allele was found at a frequency of 0.0015 in 1601016 control chromosomes, predominantly at a frequency of 0.0018 within the Non-Finnish European subpopulation in the gnomAD database, including 3 homozygotes. To our knowledge, no occurrence of c.157A>G in individuals affected with TAF2-related conditions and no experimental evidence demonstrating its impact on protein function have been reported. ClinVar contains an entry for this variant (Variation ID: 436942). Based on the evidence outlined above, the variant was classified as likely benign.

PreventionGenetics, part of Exact Sciences
Classification: Likely benign for TAF2-related condition. Last evaluated: 2025-10-27. Review status: criteria provided, single submitter. Criteria: ACMG Guidelines, 2015. Collection method: clinical testing. Allele origin: germline.
Comment: This variant is classified as likely benign based on ACMG/AMP sequence variant interpretation guidelines (Richards et al. 2015 PMID: 25741868, with internal and published modifications).

Institute for Clinical Genetics, University Hospital TU Dresden, University Hospital TU Dresden
Classification: Uncertain significance. Last evaluated: 2021-11-03. Review status: criteria provided, single submitter. Criteria: ACMG Guidelines, 2015. Collection method: clinical testing. Allele origin: germline.

Baylor Genetics
Classification: Uncertain significance for Microcephaly-thin corpus callosum-intellectual disability syndrome. Last evaluated: 2018-04-27. Review status: criteria provided, single submitter. Criteria: ACMG Guidelines, 2015. Collection method: clinical testing. Allele origin: maternal. Affected: yes.
Comment: This variant was determined to be of uncertain significance according to ACMG Guidelines, 2015 [PMID:25741868].

Genetic Services Laboratory, University of Chicago
Classification: Uncertain significance. Last evaluated: 2016-08-22. Review status: criteria provided, single submitter. Criteria: ACMG Guidelines, 2015. Collection method: clinical testing. Allele origin: germline. Affected: no.

NM_003184.4(TAF2):c.157A>G (p.Ile53Val)

Gene: TAF2 (TATA-box binding protein associated factor 2; minus strand). Cytogenetic location: 8q24.12.
Variant type: single nucleotide variant.
Coding change: c.157A>G on transcript NM_003184.4 (MANE Select); coding-DNA position 157, A replaced by G.
Protein change: p.Ile53Val; replaces isoleucine 53 with valine.
Molecular consequence: missense variant.
Genome position (GRCh38, 1-based): chr8:119,819,488, T>C on the plus strand (A>G on the coding strand, the complement: TAF2 is on the minus strand). VCF-style: chr8-119819488-T-C. GRCh37 (hg19) VCF-style: chr8-120831728-T-C.
Other names: short protein forms I53V.
Identifiers: ClinVar variation 436942 (VCV000436942.45), dbSNP rs112002462, ClinGen allele CA4857623.